The following is an entry in ClinVar:

NM_005591.4(MRE11):c.2071GAT[6] (p.Asp695dup)

Gene: MRE11 (MRE11 double strand break repair nuclease; minus strand). Cytogenetic location: 11q21.
Variant type: Microsatellite.
Coding change: c.2071GAT[6] on transcript NM_005591.4 (MANE Select); six copies in a row of the 3-base unit GAT starting at c.2071; the reference has five copies in a row; one copy, 3 bases duplicated.
Protein change: p.Asp695dup; duplicates aspartic acid 695.
Molecular consequence: inframe insertion.
Genome position (GRCh38, 1-based): chr11:94,420,167-94,420,169, ATC duplicated on the plus strand (GAT on the coding strand, the reverse complement: MRE11 is on the minus strand); duplicating any 3 consecutive bases within chr11:94,420,167-94,420,181 gives the same sequence; the position shown is the placement nearest the transcript's 3' end. VCF-style (leftmost placement, unchanged base first): chr11-94420166-G-GATC. GRCh37 (hg19) VCF-style: chr11-94153332-G-GATC.
Other names: c.2068GAT[6], p.Asp694dup (NM_001330347.2); c.1987GAT[6], p.Asp667dup (NM_005590.4); c.2083_2085dupGAT (NM_005591.3); c.2085_2086insGAT (NM_005591.3).
Identifiers: ClinVar variation 186502 (VCV000186502.21), dbSNP rs779409748, ClinGen allele CA195021.

ClinVar aggregate classification (germline): Uncertain significance. Review status: criteria provided, multiple submitters, no conflicts (2 of 4 stars). 6 submissions from 6 submitters: Uncertain significance (6). Last evaluated 2025-08-18.

Conditions:
Ataxia-telangiectasia-like disorder (ATLD). Identifiers: MedGen C1858391, MONDO:0011457.
Hereditary cancer-predisposing syndrome. Also called: Neoplastic Syndromes, Hereditary; Tumor predisposition; Hereditary Cancer Syndrome; Hereditary neoplastic syndrome. Identifiers: Orphanet 140162, MedGen C0027672, MeSH D009386, MONDO:0015356.
Ataxia-telangiectasia-like disorder 1 (ATLD1). Identifiers: Orphanet 251347, MedGen C4012790, MONDO:0024557, OMIM 604391.

Submissions (6):

Labcorp Genetics (formerly Invitae), Labcorp
Classification: Uncertain significance for Ataxia-telangiectasia-like disorder. Last evaluated: 2025-08-18. Review status: criteria provided, single submitter. Criteria: Invitae Variant Classification Sherloc (09022015). Collection method: clinical testing. Allele origin: germline.
Comment: This variant, c.2083_2085dup, results in the insertion of 1 amino acid(s) of the MRE11 protein (p.Asp695dup), but otherwise preserves the integrity of the reading frame. This variant is not present in population databases (gnomAD no frequency). This variant has not been reported in the literature in individuals affected with MRE11-related conditions. ClinVar contains an entry for this variant (Variation ID: 186502). Experimental studies and prediction algorithms are not available or were not evaluated, and the functional significance of this variant is currently unknown. In summary, the available evidence is currently insufficient to determine the role of this variant in disease. Therefore, it has been classified as a Variant of Uncertain Significance.

Quest Diagnostics Nichols Institute San Juan Capistrano
Classification: Uncertain significance. Last evaluated: 2025-06-19. Review status: criteria provided, single submitter. Criteria: Quest Diagnostics criteria. Collection method: clinical testing. Allele origin: unknown.

Ambry Genetics
Classification: Uncertain significance for Hereditary cancer-predisposing syndrome. Last evaluated: 2024-10-07. Review status: criteria provided, single submitter. Criteria: Ambry Variant Classification Scheme 2023. Collection method: clinical testing. Allele origin: germline.
Comment: The c.2083_2085dupGAT variant (also known as p.D695dup), located in coding exon 19 of the MRE11A gene, results from an in-frame duplication of GAT at nucleotide positions 2083 to 2085. This results in the duplication of an extra aspartic acid residue between codons 695 and 696. In addition, this alteration is predicted to be neutral by in silico analysis (Choi Y et al. PLoS ONE. 2012; 7(10):e46688). Since supporting evidence is limited at this time, the clinical significance of this alteration remains unclear.

Athena Diagnostics
Classification: Uncertain significance. Last evaluated: 2021-10-27. Review status: criteria provided, single submitter. Criteria: Athena Diagnostics Criteria. Collection method: clinical testing. Allele origin: unknown.

Sema4
Classification: Uncertain significance for Hereditary cancer-predisposing syndrome. Last evaluated: 2021-06-22. Review status: criteria provided, single submitter. Criteria: Sema4 Curation Guidelines. Collection method: curation. Allele origin: germline.
Comment: The MRE11 c.2083_2085dup (p.D695dup) variant has not been reported in the literature to our knowledge. It was not observed in the large and broad cohorts of the Genome Aggregation Database (PMID: 32461654). The variant has been reported in ClinVar (Variation ID: 186502). The evidence is insufficient to meet ACMG/AMP criteria for classifying the variant as benign or pathogenic. Thus, the clinical significance of this variant is currently uncertain.

Baylor Genetics
Classification: Uncertain significance for Ataxia-telangiectasia-like disorder 1. Last evaluated: 2020-07-30. Review status: criteria provided, single submitter. Criteria: ACMG Guidelines, 2015. Collection method: clinical testing. Allele origin: unknown. Affected: yes. Study: CSER-TexasKidsCanSeq.
Comment: This variant was determined to be of uncertain significance according to ACMG Guidelines, 2015 [PMID:25741868].